The following is an entry in ClinVar:

ClinVar aggregate classification (germline): Uncertain significance (1 of 4 stars; one submission).

Allele frequency attached by ClinVar (database versions not stated): gnomAD exomes below 0.00001; ExAC 0.00002.
gnomAD v4.1: 2 of 1,612,724 alleles (0.00012%); highest among the groups gnomAD compares: South Asian, 0.0011%; no homozygotes.

Submission:

Ambry Genetics
Classification: Uncertain significance. Last evaluated: 2022-09-03. Review status: criteria provided, single submitter. Criteria: Ambry Variant Classification Scheme 2023. Collection method: clinical testing. Allele origin: germline.
Comment: The p.Y464C variant (also known as c.1391A>G), located in coding exon 13 of the RAD54L gene, results from an A to G substitution at nucleotide position 1391. The tyrosine at codon 464 is replaced by cysteine, an amino acid with highly dissimilar properties. This amino acid position is conserved. In addition, the in silico prediction for this alteration is inconclusive. Since supporting evidence is limited at this time, the clinical significance of this alteration remains unclear.

NM_003579.4(RAD54L):c.1391A>G (p.Tyr464Cys)

Gene: RAD54L (RAD54 like; plus strand). Cytogenetic location: 1p34.1.
Variant type: single nucleotide variant.
Coding change: c.1391A>G on transcript NM_003579.4 (MANE Select); coding-DNA position 1391, A replaced by G.
Protein change: p.Tyr464Cys; replaces tyrosine 464 with cysteine.
Molecular consequence: missense variant.
Genome position (GRCh38, 1-based): chr1:46,273,370, A>G. VCF-style: chr1-46273370-A-G. GRCh37 (hg19) VCF-style: chr1-46739042-A-G.
Other names: c.1391A>G, p.Tyr464Cys (NM_001142548.2); c.851A>G, p.Tyr284Cys (NM_001370766.1); short protein forms Y464C, Y284C.
Identifiers: ClinVar variation 1771555 (VCV001771555.2), dbSNP rs767878063, ClinGen allele CA834600.